The following is an entry in ClinVar:

NM_000059.4(BRCA2):c.8918G>C (p.Arg2973Pro)

Gene: BRCA2 (BRCA2 DNA repair associated; plus strand). Cytogenetic location: 13q13.1.
Variant type: single nucleotide variant.
Coding change: c.8918G>C on transcript NM_000059.4 (MANE Select); coding-DNA position 8918, G replaced by C.
Protein change: p.Arg2973Pro; replaces arginine 2973 with proline.
Molecular consequence: missense variant.
Genome position (GRCh38, 1-based): chr13:32,379,480, G>C. VCF-style: chr13-32379480-G-C. GRCh37 (hg19) VCF-style: chr13-32953617-G-C.
Other names: short protein forms R2973P.
Identifiers: ClinVar variation 462504 (VCV000462504.14), dbSNP rs80359143, ClinGen allele CA387757278.
Genomic context (GRCh38, chr13:32,379,480, plus strand): 5'-AATCTGCTGAACAAAAGGAACAAGGTTTATCAAGGGATGTCACAACCGTGTGGAAGTTGC[G>C]TATTGTAAGCTATTCAAAAAAAGAAAAAGATTCAGGTAAGTATGTAAATGCTTTGTTTTT-3'
Protein context (NP_000050.3, residues 2963-2983): SRDVTTVWKL[Arg2973Pro]IVSYSKKEKD

ClinVar aggregate classification (germline): Uncertain significance. Review status: criteria provided, multiple submitters, no conflicts (2 of 4 stars). 3 submissions from 3 submitters: Uncertain significance (3). Last evaluated 2024-08-19.

Conditions:
Hereditary breast ovarian cancer syndrome. Also called: Hereditary breast and ovarian cancer syndrome (HBOC); Hereditary breast and ovarian cancer syndrome; Breast and ovarian cancer; Hereditary breast and/or ovarian cancer syndrome; Hereditary breast and ovarian cancer; BRCA1- and BRCA2-Associated Hereditary Breast and Ovarian Cancer. Identifiers: Orphanet 145, MedGen C0677776, MeSH D061325, MONDO:0003582. Disease mechanism: loss of function.
Hereditary cancer-predisposing syndrome. Also called: Neoplastic Syndromes, Hereditary; Hereditary Cancer Syndrome; Hereditary neoplastic syndrome; Tumor predisposition. Identifiers: Orphanet 140162, MedGen C0027672, MeSH D009386, MONDO:0015356.

Submissions (3):

Ambry Genetics
Classification: Uncertain significance for Hereditary cancer-predisposing syndrome. Last evaluated: 2024-08-19. Review status: criteria provided, single submitter. Criteria: Ambry Variant Classification Scheme 2023. Collection method: clinical testing. Allele origin: germline.
Comment: The p.R2973P variant (also known as c.8918G>C), located in coding exon 21 of the BRCA2 gene, results from a G to C substitution at nucleotide position 8918. The arginine at codon 2973 is replaced by proline, an amino acid with dissimilar properties. This amino acid position is well conserved in available vertebrate species. In addition, the in silico prediction for this alteration is inconclusive. Based on the available evidence, the clinical significance of this variant remains unclear.

Labcorp Genetics (formerly Invitae), Labcorp
Classification: Uncertain significance for Hereditary breast ovarian cancer syndrome. Last evaluated: 2022-06-23. Review status: criteria provided, single submitter. Criteria: Invitae Variant Classification Sherloc (09022015). Collection method: clinical testing. Allele origin: germline.
Comment: This variant has not been reported in the literature in individuals affected with BRCA2-related conditions. This sequence change replaces arginine, which is basic and polar, with proline, which is neutral and non-polar, at codon 2973 of the BRCA2 protein (p.Arg2973Pro). This variant is not present in population databases (gnomAD no frequency). ClinVar contains an entry for this variant (Variation ID: 462504). Advanced modeling of protein sequence and biophysical properties (such as structural, functional, and spatial information, amino acid conservation, physicochemical variation, residue mobility, and thermodynamic stability) performed at Invitae indicates that this missense variant is not expected to disrupt BRCA2 protein function. In summary, the available evidence is currently insufficient to determine the role of this variant in disease. Therefore, it has been classified as a Variant of Uncertain Significance.

Quest Diagnostics Nichols Institute San Juan Capistrano
Classification: Uncertain significance. Last evaluated: 2018-11-02. Review status: criteria provided, single submitter. Criteria: Quest Diagnostics criteria. Collection method: clinical testing. Allele origin: germline.